The following is an entry in ClinVar:

NM_004104.5(FASN):c.136G>A (p.Gly46Ser)

Gene: FASN (fatty acid synthase; minus strand). Cytogenetic location: 17q25.3.
Variant type: single nucleotide variant.
Coding change: c.136G>A on transcript NM_004104.5 (MANE Select); coding-DNA position 136, G replaced by A.
Protein change: p.Gly46Ser; replaces glycine 46 with serine.
Molecular consequence: missense variant.
Genome position (GRCh38, 1-based): chr17:82,095,464, C>T on the plus strand (G>A on the coding strand, the complement: FASN is on the minus strand). VCF-style: chr17-82095464-C-T. GRCh37 (hg19) VCF-style: chr17-80053340-C-T.
Other names: short protein forms G46S.
Identifiers: ClinVar variation 1388304 (VCV001388304.7), dbSNP rs199926630, ClinGen allele CA8853644.
Genomic context (GRCh38, chr17:82,095,464, plus strand): 5'-CGAAGAAGGAGGCATCAAACCTAGACAGGTCCTTCAGCTTGCCGGACCGCCGGGGCAGGC[C>T]GTAGAGCCCTGTGGGACAGGCGGGTGTTTAAATCTCTGACGGAAGCTGCCCAGAGGTGGG-3'
Protein context (NP_004095.4, residues 36-56): DDRRWKAGLY[Gly46Ser]LPRRSGKLKD

ClinVar aggregate classification (germline): Uncertain significance. Review status: criteria provided, multiple submitters, no conflicts (2 of 4 stars). 2 submissions from 2 submitters: Uncertain significance (2). Last evaluated 2022-11-15.

Conditions:
Epileptic encephalopathy. Identifiers: MedGen C0543888, HP:0200134.

Allele frequency attached by ClinVar (database versions not stated): gnomAD exomes 0.00001.
gnomAD v4.1: 15 of 1,612,230 alleles (0.00093%); highest among the groups gnomAD compares: East Asian, 0.0067%; no homozygotes.

Submissions (2):

Labcorp Genetics (formerly Invitae), Labcorp
Classification: Uncertain significance for Epileptic encephalopathy. Last evaluated: 2022-11-15. Review status: criteria provided, single submitter. Criteria: Invitae Variant Classification Sherloc (09022015). Collection method: clinical testing. Allele origin: germline.
Comment: In summary, the available evidence is currently insufficient to determine the role of this variant in disease. Therefore, it has been classified as a Variant of Uncertain Significance. Algorithms developed to predict the effect of missense changes on protein structure and function are either unavailable or do not agree on the potential impact of this missense change (SIFT: "Tolerated"; PolyPhen-2: "Probably Damaging"; Align-GVGD: "Class C0"). ClinVar contains an entry for this variant (Variation ID: 1388304). This variant has not been reported in the literature in individuals affected with FASN-related conditions. This variant is present in population databases (rs199926630, gnomAD 0.01%). This sequence change replaces glycine, which is neutral and non-polar, with serine, which is neutral and polar, at codon 46 of the FASN protein (p.Gly46Ser).

Breakthrough Genomics
Classification: Uncertain significance. Review status: criteria provided, single submitter. Criteria: ACMG Guidelines, 2015. Collection method: not provided. Allele origin: germline. Inheritance: Unknown mechanism. Affected: yes.